The following is an entry in ClinVar:

ClinVar aggregate classification (germline): Uncertain significance (1 of 4 stars; one submission).

Conditions:
Neurodevelopmental disorder with central and peripheral motor dysfunction. Identifiers: MedGen C5193049, MONDO:0032698, OMIM 618356.

Allele frequency attached by ClinVar (database versions not stated): gnomAD exomes below 0.00001.
gnomAD v4.1: 1 of 1,561,722 alleles (0.000064%); highest among the groups gnomAD compares: East Asian, 0.0023%; no homozygotes.

Submission:

New York Genome Center
Classification: Uncertain significance for Neurodevelopmental disorder with central and peripheral motor dysfunction. Last evaluated: 2021-09-03. Review status: criteria provided, single submitter. Criteria: NYGC Assertion Criteria 2020. Collection method: clinical testing. Allele origin: inherited. Observed: 1 compound heterozygote. Study: CSER-NYCKidSeq.
Comment: The inherited c.3176C>T p.(Ala1059Val) variant identified in the NFASC gene has not previously been reported in the literature or public variant repositories (ClinVar and LOVD). The variant is absent from population databases (gnomAD v2.1 and v3.1,TOPMed Freeze 5) suggesting it is not a common benign variant in the populations represented in those databases. In silico algorithms predict conflicting effects of the variant on the encoded transcript. Based on the available evidence the c.3176C>T variant identified in the NFASC gene is classified here as a Variant of Unknown Significance.

NM_001005388.3(NFASC):c.3176C>T (p.Ala1059Val)

Gene: NFASC (neurofascin; plus strand). Cytogenetic location: 1q32.1.
Variant type: single nucleotide variant.
Coding change: c.3176C>T on transcript NM_001005388.3 (MANE Select); coding-DNA position 3176, C replaced by T.
Protein change: p.Ala1059Val; replaces alanine 1059 with valine.
Molecular consequence: missense variant. On other transcripts: intron variant (4).
Genome position (GRCh38, 1-based): chr1:205,002,635, C>T. VCF-style: chr1-205002635-C-T. GRCh37 (hg19) VCF-style: chr1-204971763-C-T.
Other names: c.3497C>T, p.Ala1166Val (NM_001378329.1); c.3092-6922C>T (NM_001160332.2); c.3077-6922C>T (NM_015090.4); c.2756-6922C>T (NM_001365986.1); c.3137-6922C>T (NM_001160331.2); short protein forms A1059V, A1166V.
Identifiers: ClinVar variation 1701624 (VCV001701624.1), dbSNP rs2096014541, ClinGen allele CA344384056.